The following is an entry in ClinVar:

NM_031924.8(RSPH3):c.548C>T (p.Thr183Ile)

Gene: RSPH3 (radial spoke head 3; minus strand). Cytogenetic location: 6q25.3.
Variant type: single nucleotide variant.
Coding change: c.548C>T on transcript NM_031924.8 (MANE Select); coding-DNA position 548, C replaced by T.
Protein change: p.Thr183Ile; replaces threonine 183 with isoleucine.
Molecular consequence: missense variant. On other transcripts: non-coding transcript variant (1).
Genome position (GRCh38, 1-based): chr6:158,982,633, G>A on the plus strand (C>T on the coding strand, the complement: RSPH3 is on the minus strand). VCF-style: chr6-158982633-G-A. GRCh37 (hg19) VCF-style: chr6-159403665-G-A.
Other names: c.686C>T, p.Thr229Ile (NM_001346418.1); short protein forms T229I, T183I.
Identifiers: ClinVar variation 581708 (VCV000581708.8), dbSNP rs201137146, ClinGen allele CA4075871.

ClinVar aggregate classification (germline): Conflicting classifications of pathogenicity. Review status: criteria provided, conflicting classifications (1 of 4 stars). 2 submissions from 2 submitters: Uncertain significance (1); Likely benign (1). Last evaluated 2022-12-19.

Conditions:
Inborn genetic diseases. Identifiers: MedGen C0950123, MeSH D030342.
Primary ciliary dyskinesia 32. Also called: CILIARY DYSKINESIA, PRIMARY, 32, WITHOUT SITUS INVERSUS. Identifiers: Orphanet 244, MedGen C4225311, MONDO:0014657, OMIM 616481.

Allele frequency attached by ClinVar (database versions not stated): gnomAD 0.00001 and 0.00005; 1000 Genomes Project 30x 0.00016; 1000 Genomes Project 0.00020; TOPMed 0.00002; ExAC 0.00005.
gnomAD v4.1: 156 of 1,613,614 alleles (0.0097%); highest among the groups gnomAD compares: East Asian, 0.34%; no homozygotes.

Submissions (2):

Ambry Genetics
Classification: Likely benign for Inborn genetic diseases. Last evaluated: 2022-12-19. Review status: criteria provided, single submitter. Criteria: Ambry Variant Classification Scheme 2023. Collection method: clinical testing. Allele origin: germline.

Labcorp Genetics (formerly Invitae), Labcorp
Classification: Uncertain significance for Primary ciliary dyskinesia 32. Last evaluated: 2022-01-27. Review status: criteria provided, single submitter. Criteria: Invitae Variant Classification Sherloc (09022015). Collection method: clinical testing. Allele origin: germline.
Comment: In summary, the available evidence is currently insufficient to determine the role of this variant in disease. Therefore, it has been classified as a Variant of Uncertain Significance. Algorithms developed to predict the effect of missense changes on protein structure and function output the following: SIFT: "Tolerated"; PolyPhen-2: "Benign"; Align-GVGD: "Class C0". The isoleucine amino acid residue is found in multiple mammalian species, which suggests that this missense change does not adversely affect protein function. ClinVar contains an entry for this variant (Variation ID: 581708). This variant has not been reported in the literature in individuals affected with RSPH3-related conditions. This variant is present in population databases (rs201137146, gnomAD 0.06%). This sequence change replaces threonine, which is neutral and polar, with isoleucine, which is neutral and non-polar, at codon 325 of the RSPH3 protein (p.Thr325Ile).